The following is an entry in ClinVar:

NM_000218.3(KCNQ1):c.1394-34254T>G

Genes: KCNQ1 (potassium voltage-gated channel subfamily Q member 1; plus strand), KCNQ1OT1 (KCNQ1 opposite strand/antisense transcript 1; minus strand). Cytogenetic location: 11p15.5.
Variant type: single nucleotide variant.
Coding change: c.1394-34254T>G on transcript NM_000218.3 (MANE Select); 34254 bases into the intron before coding-DNA position 1394, T replaced by G.
Molecular consequence: intron variant. On other transcripts: non-coding transcript variant (1).
Genome position (GRCh38, 1-based): chr11:2,627,707, T>G. VCF-style: chr11-2627707-T-G. GRCh37 (hg19) VCF-style: chr11-2648937-T-G.
Other names: c.1124-34254T>G (NM_001406837.1); c.1298-34254T>G (NM_001406836.1); c.854-34254T>G (NM_001406838.1); c.1013-34254T>G (NM_181798.2).
Identifiers: ClinVar variation 4822360 (VCV004822360.4).

ClinVar aggregate classification (germline): Likely benign (1 of 4 stars; one submission).

gnomAD v4.1: 13 of 398,520 alleles (0.0033%); highest among the groups gnomAD compares: South Asian, 0.11%; no homozygotes.

Submission:

CeGaT Center for Human Genetics Tuebingen
Classification: Likely benign. Last evaluated: 2026-02-01. Review status: criteria provided, single submitter. Criteria: CeGaT Center For Human Genetics Tuebingen Variant Classification Criteria Version 2. Collection method: clinical testing. Allele origin: germline. Affected: yes. Observed: 1 variant allele.
Comment: KCNQ1OT1: BS1